The following is an entry in ClinVar:

ClinVar aggregate classification (germline): Benign/Likely benign. Review status: criteria provided, multiple submitters, no conflicts (2 of 4 stars). 4 submissions from 4 submitters: Benign (1); Likely benign (3). Last evaluated 2025-04-10.

Conditions:
Tuberous sclerosis syndrome (TSC). Also called: Tuberous sclerosis; Tuberous Sclerosis Complex. Identifiers: Orphanet 805, MedGen C0041341, MONDO:0001734.
Tuberous sclerosis 1 (TSC1). Identifiers: Orphanet 805, MedGen C1854465, MONDO:0008612, OMIM 191100.
Hereditary cancer-predisposing syndrome. Also called: Tumor predisposition; Hereditary Cancer Syndrome; Neoplastic Syndromes, Hereditary; Hereditary neoplastic syndrome. Identifiers: Orphanet 140162, MedGen C0027672, MeSH D009386, MONDO:0015356.

Submissions (4):

Myriad Genetics, Inc.
Classification: Benign for Tuberous sclerosis 1. Last evaluated: 2025-04-10. Review status: criteria provided, single submitter. Criteria: Myriad Autosomal Dominant, Autosomal Recessive and X-Linked Classification Criteria (2023). Collection method: clinical testing. Allele origin: unknown.
Comment: This variant is considered benign. This variant is a silent/synonymous amino acid change and it is not expected to impact splicing.

Ambry Genetics
Classification: Likely benign for Hereditary cancer-predisposing syndrome. Last evaluated: 2023-12-23. Review status: criteria provided, single submitter. Criteria: Ambry Variant Classification Scheme 2023. Collection method: clinical testing. Allele origin: germline.

All of Us Research Program, National Institutes of Health
Classification: Likely benign for Tuberous sclerosis syndrome. Last evaluated: 2023-05-04. Review status: criteria provided, single submitter. Criteria: ACMG Guidelines, 2015. Collection method: clinical testing. Allele origin: germline. Inheritance: Autosomal dominant inheritance. Observed: 1 variant allele, 1 heterozygote.
Comment: This study involves interpretation of variants in research participants for the purpose of population health screening. Participant phenotype was not available at the time of variant classification. Additional details can be found in publication PMID: 35346344, PMCID: PMC8962531

Labcorp Genetics (formerly Invitae), Labcorp
Classification: Likely benign for Tuberous sclerosis 1. Last evaluated: 2018-01-29. Review status: criteria provided, single submitter. Criteria: Invitae Variant Classification Sherloc (09022015). Collection method: clinical testing. Allele origin: germline.

NM_000368.5(TSC1):c.1809G>C (p.Pro603=)

Gene: TSC1 (TSC complex subunit 1; minus strand). Cytogenetic location: 9q34.13.
Variant type: single nucleotide variant.
Coding change: c.1809G>C on transcript NM_000368.5 (MANE Select); coding-DNA position 1809, G replaced by C.
Protein change: p.Pro603=; no amino-acid change (proline 603 retained).
Molecular consequence: synonymous variant.
Genome position (GRCh38, 1-based): chr9:132,905,769, C>G on the plus strand (G>C on the coding strand, the complement: TSC1 is on the minus strand). VCF-style: chr9-132905769-C-G. GRCh37 (hg19) VCF-style: chr9-135781156-C-G.
Other names: c.1806G>C, p.Pro602= (NM_001162426.2); c.1656G>C, p.Pro552= (NM_001162427.2); c.1446G>C, p.Pro482= (NM_001362177.2).
Identifiers: ClinVar variation 744224 (VCV000744224.12), dbSNP rs112434645, ClinGen allele CA467813196.